The following is an entry in ClinVar:

NM_002878.4(RAD51D):c.54G>A (p.Gln18=)

Genes: RAD51D (RAD51 paralog D; minus strand), RAD51L3-RFFL (RAD51L3-RFFL readthrough; minus strand). Cytogenetic location: 17q12.
Variant type: single nucleotide variant.
Coding change: c.54G>A on transcript NM_002878.4 (MANE Select); coding-DNA position 54, G replaced by A.
Protein change: p.Gln18=; no amino-acid change (glutamine 18 retained).
Molecular consequence: synonymous variant. On other transcripts: non-coding transcript variant (2).
Genome position (GRCh38, 1-based): chr17:35,119,560, C>T on the plus strand (G>A on the coding strand, the complement: RAD51D is on the minus strand). VCF-style: chr17-35119560-C-T. GRCh37 (hg19) VCF-style: chr17-33446579-C-T.
Other names: c.54G>A, p.Gln18= (NM_001142571.2, NM_133629.3).
Identifiers: ClinVar variation 2028942 (VCV002028942.6), dbSNP rs1331918329, ClinGen allele CA499732506.

ClinVar aggregate classification (germline): Benign/Likely benign. Review status: criteria provided, multiple submitters, no conflicts (2 of 4 stars). 3 submissions from 3 submitters: Benign (1); Likely benign (2). Last evaluated 2025-02-20.

Conditions:
Breast-ovarian cancer, familial, susceptibility to, 4. Identifiers: Orphanet 145, MedGen C3280345, MONDO:0013669, OMIM 614291.
Hereditary cancer-predisposing syndrome. Also called: Hereditary Cancer Syndrome; Tumor predisposition; Neoplastic Syndromes, Hereditary; Hereditary neoplastic syndrome. Identifiers: Orphanet 140162, MedGen C0027672, MeSH D009386, MONDO:0015356.

Submissions (3):

Myriad Genetics, Inc.
Classification: Benign for Breast-ovarian cancer, familial, susceptibility to, 4. Last evaluated: 2025-02-20. Review status: criteria provided, single submitter. Criteria: Myriad Autosomal Dominant, Autosomal Recessive and X-Linked Classification Criteria (2023). Collection method: clinical testing. Allele origin: unknown.
Comment: This variant is considered benign. This variant is a silent/synonymous amino acid change and it is not expected to impact splicing.

Ambry Genetics
Classification: Likely benign for Hereditary cancer-predisposing syndrome. Last evaluated: 2024-05-15. Review status: criteria provided, single submitter. Criteria: Ambry Variant Classification Scheme 2023. Collection method: clinical testing. Allele origin: germline.

Labcorp Genetics (formerly Invitae), Labcorp
Classification: Likely benign for Breast-ovarian cancer, familial, susceptibility to, 4. Last evaluated: 2022-09-06. Review status: criteria provided, single submitter. Criteria: Invitae Variant Classification Sherloc (09022015). Collection method: clinical testing. Allele origin: germline.